The following is an entry in ClinVar:

ClinVar aggregate classification (germline): Benign/Likely benign. Review status: criteria provided, multiple submitters, no conflicts (2 of 4 stars). 2 submissions from 2 submitters: Benign (1); Likely benign (1). Last evaluated 2024-02-07.

Conditions:
Methylmalonic acidemia with homocystinuria, type cblX (MAHCX). Also called: INTELLECTUAL DEVELOPMENTAL DISORDER, X-LINKED 3. Identifiers: Orphanet 369962, MedGen C0796208, MONDO:0010657, OMIM 309541.

Allele frequency attached by ClinVar (database versions not stated): gnomAD exomes 0.00002; TOPMed 0.00004; gnomAD 0.00005; ExAC 0.00009; ESP Exome Variant Server 0.00010.
gnomAD v4.1: 24 of 1,147,034 alleles (0.0021%); highest among the groups gnomAD compares: Middle Eastern, 0.057%; no homozygotes.

Submissions (2):

Labcorp Genetics (formerly Invitae), Labcorp
Classification: Benign for Methylmalonic acidemia with homocystinuria, type cblX. Last evaluated: 2024-02-07. Review status: criteria provided, single submitter. Criteria: Invitae Variant Classification Sherloc (09022015). Collection method: clinical testing. Allele origin: germline.

CeGaT Center for Human Genetics Tuebingen
Classification: Likely benign. Last evaluated: 2023-09-01. Review status: criteria provided, single submitter. Criteria: CeGaT Center For Human Genetics Tuebingen Variant Classification Criteria Version 2. Collection method: clinical testing. Allele origin: germline. Affected: yes. Observed: 1 variant allele.
Comment: HCFC1: BP4, BP7

NM_005334.3(HCFC1):c.4995G>A (p.Ala1665=)

Gene: HCFC1 (host cell factor C1; minus strand). Cytogenetic location: Xq28.
Variant type: single nucleotide variant.
Coding change: c.4995G>A on transcript NM_005334.3 (MANE Select); coding-DNA position 4995, G replaced by A.
Protein change: p.Ala1665=; no amino-acid change (alanine 1665 retained).
Molecular consequence: synonymous variant.
Genome position (GRCh38, 1-based): chrX:153,952,106, C>T on the plus strand (G>A on the coding strand, the complement: HCFC1 is on the minus strand). VCF-style: chrX-153952106-C-T. GRCh37 (hg19) VCF-style: chrX-153217557-C-T.
Other names: c.5130G>A, p.Ala1710= (NM_001410705.1).
Identifiers: ClinVar variation 2194182 (VCV002194182.28), dbSNP rs371153815, ClinGen allele CA10556870.